The following is an entry in ClinVar:

NM_000419.5(ITGA2B):c.822G>C (p.Glu274Asp)

Gene: ITGA2B (integrin subunit alpha 2b; minus strand). Cytogenetic location: 17q21.31.
Variant type: single nucleotide variant.
Coding change: c.822G>C on transcript NM_000419.5 (MANE Select); coding-DNA position 822, G replaced by C.
Protein change: p.Glu274Asp; replaces glutamic acid 274 with aspartic acid.
Molecular consequence: missense variant.
Genome position (GRCh38, 1-based): chr17:44,384,563, C>G on the plus strand (G>C on the coding strand, the complement: ITGA2B is on the minus strand). VCF-style: chr17-44384563-C-G. GRCh37 (hg19) VCF-style: chr17-42461931-C-G.
Other names: short protein forms E274D.
Identifiers: ClinVar variation 1918850 (VCV001918850.9), dbSNP rs767428437, ClinGen allele CA8603328.

ClinVar aggregate classification (germline): Uncertain significance. Review status: criteria provided, multiple submitters, no conflicts (2 of 4 stars). 3 submissions from 3 submitters: Uncertain significance (3). Last evaluated 2025-08-15.

Conditions:
Glanzmann thrombasthenia. Also called: PLATELET GLYCOPROTEIN IIb-IIIa DEFICIENCY; THROMBASTHENIA OF GLANZMANN AND NAEGELI; Thrombasthenia; Glanzmann's thrombasthenia. Identifiers: Orphanet 849, MedGen C0040015, MONDO:0100326.
Inborn genetic diseases. Identifiers: MedGen C0950123, MeSH D030342.

Allele frequency attached by ClinVar (database versions not stated): ExAC 0.00001; gnomAD 0.00001; TOPMed 0.00003.
gnomAD v4.1: 14 of 1,613,978 alleles (0.00087%); highest among the groups gnomAD compares: Admixed American, 0.023%; no homozygotes.

Submissions (3):

GeneDx
Classification: Uncertain significance. Last evaluated: 2025-08-15. Review status: criteria provided, single submitter. Criteria: GeneDx Variant Classification Process June 2021. Collection method: clinical testing. Allele origin: germline.
Comment: In silico analysis suggests that this missense variant does not alter protein structure/function; Has not been previously published as pathogenic or benign to our knowledge

Ambry Genetics
Classification: Uncertain significance for Inborn genetic diseases. Last evaluated: 2025-05-13. Review status: criteria provided, single submitter. Criteria: Ambry Variant Classification Scheme 2023. Collection method: clinical testing. Allele origin: germline.

Labcorp Genetics (formerly Invitae), Labcorp
Classification: Uncertain significance for Glanzmann thrombasthenia. Last evaluated: 2024-11-25. Review status: criteria provided, single submitter. Criteria: Invitae Variant Classification Sherloc (09022015). Collection method: clinical testing. Allele origin: germline.
Comment: This sequence change replaces glutamic acid, which is acidic and polar, with aspartic acid, which is acidic and polar, at codon 274 of the ITGA2B protein (p.Glu274Asp). This variant is present in population databases (rs767428437, gnomAD 0.03%). This variant has not been reported in the literature in individuals affected with ITGA2B-related conditions. ClinVar contains an entry for this variant (Variation ID: 1918850). An algorithm developed to predict the effect of missense changes on protein structure and function outputs the following: PolyPhen-2: "Benign". The aspartic acid amino acid residue is found in multiple mammalian species, which suggests that this missense change does not adversely affect protein function. In summary, the available evidence is currently insufficient to determine the role of this variant in disease. Therefore, it has been classified as a Variant of Uncertain Significance.